The following is an entry in ClinVar:

NM_001267550.2(TTN):c.55733-3_55736delinsAATTATTAAAATTTAATAA

Genes: TTN (titin; minus strand), TTN-AS1 (TTN antisense RNA 1; plus strand). Cytogenetic location: 2q31.2.
Variant type: Indel.
Coding change: c.55733-3_55736delinsAATTATTAAAATTTAATAA on transcript NM_001267550.2 (MANE Select); 3 bases into the intron before coding-DNA position 55733 through coding-DNA position 55736, CAGATCC replaced by AATTATTAAAATTTAATAA.
Molecular consequence: splice acceptor variant.
Genome position (GRCh38, 1-based): chr2:178,601,168-178,601,174, GGATCTG replaced by TTATTAAATTTTAATAATT on the plus strand (CAGATCC replaced by AATTATTAAAATTTAATAA on the coding strand, the reverse complement: TTN is on the minus strand). VCF-style: chr2-178601168-GGATCTG-TTATTAAATTTTAATAATT. GRCh37 (hg19) VCF-style: chr2-179465895-GGATCTG-TTATTAAATTTTAATAATT.
Other names: c.28538-3_28541delinsAATTATTAAAATTTAATAA (NM_003319.4); c.29114-3_29117delinsAATTATTAAAATTTAATAA (NM_133437.4); c.28913-3_28916delinsAATTATTAAAATTTAATAA (NM_133432.3); c.48029-3_48032delinsAATTATTAAAATTTAATAA (NM_133378.4); c.50810-3_50813delinsAATTATTAAAATTTAATAA (NM_001256850.1); c.28538-3_28541delCAGATCCinsAATTATTAAAATTTAATAA (NM_003319.4).
Identifiers: ClinVar variation 3223233 (VCV003223233.1), dbSNP rs2469987065, ClinGen allele CA2825001048.

ClinVar aggregate classification (germline): Uncertain significance (1 of 4 stars; one submission).

Conditions:
Cardiovascular phenotype. Identifiers: MedGen CN230736.

Submission:

Ambry Genetics
Classification: Uncertain significance for Cardiovascular phenotype. Last evaluated: 2024-02-22. Review status: criteria provided, single submitter. Criteria: Ambry Variant Classification Scheme 2023. Collection method: clinical testing. Allele origin: germline.
Comment: The c.28538-3_28541delCAGATCCins19 variant results from a deletion of 7 nucleotides and insertion of 19 nucleotides (AATTATTAAAATTTAATAA) at positions c.28538-3 to c.28541 and involves the canonical splice acceptor site before coding exon 115 of the TTN gene. Exon 115 is located in the A-band region of the N2-B isoform of the titin protein and is constitutively expressed in TTN transcripts (percent spliced in or PSI 100%). The canonical splice acceptor site is highly conserved in available vertebrate species. In silico splice site analysis predicts that this alteration will weaken the native splice acceptor site and will result in the creation or strengthening of a novel splice acceptor site. This alteration disrupts the canonical splice site and is expected to cause aberrant splicing. However, although direct evidence is unavailable, this alteration is predicted to result in an in-frame transcript that is not expected to trigger nonsense-mediated mRNA decay. The exact functional effect of the predicted splice impact is unknown. Based on the available evidence, the clinical significance of this alteration remains unclear.